The following is an entry in ClinVar:

ClinVar aggregate classification (germline): Uncertain significance (0 of 4 stars; one submission).

Conditions:
NKAP-related disorder. Also called: NKAP-related condition.

Allele frequency attached by ClinVar (database versions not stated): gnomAD 0.00001; ExAC 0.00003; TOPMed 0.00006.
gnomAD v4.1: 6 of 1,203,918 alleles (0.0005%); highest among the groups gnomAD compares: Admixed American, 0.013%; no homozygotes.

Submission:

PreventionGenetics, part of Exact Sciences
Classification: Uncertain significance for NKAP-related condition. Last evaluated: 2024-01-26. Review status: no assertion criteria provided. Collection method: clinical testing. Allele origin: germline.
Comment: The NKAP c.652G>T variant is predicted to result in the amino acid substitution p.Asp218Tyr. To our knowledge, this variant has not been reported in the literature. This variant is reported in 0.031% of alleles in individuals of Latino descent in gnomAD. At this time, the clinical significance of this variant is uncertain due to the absence of conclusive functional and genetic evidence.

NM_024528.4(NKAP):c.652G>T (p.Asp218Tyr)

Gene: NKAP (NFKB activating protein; minus strand). Cytogenetic location: Xq24.
Variant type: single nucleotide variant.
Coding change: c.652G>T on transcript NM_024528.4 (MANE Select); coding-DNA position 652, G replaced by T.
Protein change: p.Asp218Tyr; replaces aspartic acid 218 with tyrosine.
Molecular consequence: missense variant.
Genome position (GRCh38, 1-based): chrX:119,936,318, C>A on the plus strand (G>T on the coding strand, the complement: NKAP is on the minus strand). VCF-style: chrX-119936318-C-A. GRCh37 (hg19) VCF-style: chrX-119070281-C-A.
Other names: short protein forms D218Y.
Identifiers: ClinVar variation 2629303 (VCV002629303.3), dbSNP rs768490023, ClinGen allele CA10503826.